The following is an entry in ClinVar:

NM_002878.4(RAD51D):c.82G>C (p.Val28Leu)

Genes: RAD51D (RAD51 paralog D; minus strand), RAD51L3-RFFL (RAD51L3-RFFL readthrough; minus strand). Cytogenetic location: 17q12.
Variant type: single nucleotide variant.
Coding change: c.82G>C on transcript NM_002878.4 (MANE Select); coding-DNA position 82, G replaced by C.
Protein change: p.Val28Leu; replaces valine 28 with leucine.
Molecular consequence: missense variant. On other transcripts: non-coding transcript variant (2).
Genome position (GRCh38, 1-based): chr17:35,119,532, C>G on the plus strand (G>C on the coding strand, the complement: RAD51D is on the minus strand). VCF-style: chr17-35119532-C-G. GRCh37 (hg19) VCF-style: chr17-33446551-C-G.
Other names: c.82G>C, p.Val28Leu (NM_001142571.2, NM_133629.3); short protein forms V28L.
Identifiers: ClinVar variation 1762829 (VCV001762829.3), dbSNP rs2142480064, ClinGen allele CA399092236.

ClinVar aggregate classification (germline): Conflicting classifications of pathogenicity. Review status: criteria provided, conflicting classifications (1 of 4 stars). 2 submissions from 2 submitters: Likely pathogenic (1); Uncertain significance (1). Last evaluated 2023-11-06.

Conditions:
Hereditary cancer-predisposing syndrome. Also called: Neoplastic Syndromes, Hereditary; Tumor predisposition; Hereditary Cancer Syndrome; Hereditary neoplastic syndrome. Identifiers: Orphanet 140162, MedGen C0027672, MeSH D009386, MONDO:0015356.
Breast-ovarian cancer, familial, susceptibility to, 4. Identifiers: Orphanet 145, MedGen C3280345, MONDO:0013669, OMIM 614291.

Submissions (2):

Myriad Genetics, Inc.
Classification: Likely pathogenic for Breast-ovarian cancer, familial, susceptibility to, 4. Last evaluated: 2023-11-06. Review status: criteria provided, single submitter. Criteria: Myriad Autosomal Dominant, Autosomal Recessive and X-Linked Classification Criteria (2023). Collection method: clinical testing. Allele origin: unknown.
Comment: This variant is considered likely pathogenic. mRNA analysis has demonstrated abnormal mRNA splicing occurs [PMID: 33452952].

Ambry Genetics
Classification: Uncertain significance for Hereditary cancer-predisposing syndrome. Last evaluated: 2020-11-24. Review status: criteria provided, single submitter. Criteria: Ambry Variant Classification Scheme 2023. Collection method: clinical testing. Allele origin: germline.
Comment: The p.V28L variant (also known as c.82G>C), located in coding exon 1 of the RAD51D gene, results from a G to C substitution at nucleotide position 82. The valine at codon 28 is replaced by leucine, an amino acid with highly similar properties. However, this change occurs in the last base pair of coding exon 1, which makes it likely to have some effect on normal mRNA splicing. This nucleotide position is highly conserved in available vertebrate species. In silico splice site analysis predicts that this alteration will weaken the native splice donor site and will result in the creation or strengthening of a novel splice donor site. In addition, as a missense substitution this is predicted to be tolerated by in silico analysis. Since supporting evidence is limited at this time, the clinical significance of this alteration remains unclear.

Literature cited by the submitters: PubMed 33452952 (cited by Myriad Genetics, Inc.).